The following is an entry in ClinVar:

ClinVar aggregate classification (germline): Uncertain significance. Review status: criteria provided, multiple submitters, no conflicts (2 of 4 stars). 4 submissions from 4 submitters: Uncertain significance (4). Last evaluated 2025-02-11.

Conditions:
Cranioectodermal dysplasia 1 (CED1). Also called: LEVIN SYNDROME I. Identifiers: Orphanet 1515, MedGen C0432235, MONDO:0021093, OMIM 218330.

Allele frequency attached by ClinVar (database versions not stated): 1000 Genomes Project 30x 0.00016; 1000 Genomes Project 0.00020; gnomAD exomes 0.00004 and 0.00006; ExAC 0.00009; ESP Exome Variant Server 0.00015.
gnomAD v4.1: 69 of 1,614,030 alleles (0.0043%); highest among the groups gnomAD compares: South Asian, 0.043%; no homozygotes.

Submissions (4):

Labcorp Genetics (formerly Invitae), Labcorp
Classification: Uncertain significance for Cranioectodermal dysplasia 1. Last evaluated: 2025-02-11. Review status: criteria provided, single submitter. Criteria: Invitae Variant Classification Sherloc (09022015). Collection method: clinical testing. Allele origin: germline.
Comment: This sequence change replaces arginine, which is basic and polar, with tryptophan, which is neutral and slightly polar, at codon 210 of the IFT122 protein (p.Arg210Trp). This variant is present in population databases (rs140547512, gnomAD 0.03%). This missense change has been observed in individual(s) with clinical features of short-rib thoracic dysplasia (PMID: 29037998). ClinVar contains an entry for this variant (Variation ID: 343234). Invitae Evidence Modeling of protein sequence and biophysical properties (such as structural, functional, and spatial information, amino acid conservation, physicochemical variation, residue mobility, and thermodynamic stability) has been performed for this missense variant. However, the output from this modeling did not meet the statistical confidence thresholds required to predict the impact of this variant on IFT122 protein function. In summary, the available evidence is currently insufficient to determine the role of this variant in disease. Therefore, it has been classified as a Variant of Uncertain Significance.

Fulgent Genetics
Classification: Uncertain significance for Cranioectodermal dysplasia 1. Last evaluated: 2024-01-11. Review status: criteria provided, single submitter. Criteria: ACMG Guidelines, 2015. Collection method: clinical testing. Allele origin: germline.

Blueprint Genetics
Classification: Uncertain significance. Last evaluated: 2022-12-12. Review status: criteria provided, single submitter. Criteria: ACMG Guidelines, 2015. Collection method: clinical testing. Allele origin: germline.

Illumina Laboratory Services, Illumina
Classification: Uncertain significance for Cranioectodermal dysplasia 1. Last evaluated: 2018-01-13. Review status: criteria provided, single submitter. Criteria: ICSL Variant Classification Criteria 13 December 2019. Collection method: clinical testing. Allele origin: germline.

Literature cited by the submitters: PubMed 29037998 (cited by Labcorp Genetics (formerly Invitae), Labcorp).

NM_052989.3(IFT122):c.475C>T (p.Arg159Trp)

Gene: IFT122 (intraflagellar transport 122; plus strand). Cytogenetic location: 3q21.3.
Variant type: single nucleotide variant.
Coding change: c.475C>T on transcript NM_052989.3 (MANE Select); coding-DNA position 475, C replaced by T.
Protein change: p.Arg159Trp; replaces arginine 159 with tryptophan.
Molecular consequence: missense variant.
Genome position (GRCh38, 1-based): chr3:129,464,693, C>T. VCF-style: chr3-129464693-C-T. GRCh37 (hg19) VCF-style: chr3-129183536-C-T.
Other names: c.628C>T, p.Arg210Trp (NM_001280541.2, NM_052985.4); c.25C>T, p.Arg9Trp (NM_001280545.2, NM_001280546.2); c.475C>T, p.Arg159Trp (NM_018262.4); c.319C>T, p.Arg107Trp (NM_052990.3); short protein forms R210W, R9W, R159W, R107W.
Identifiers: ClinVar variation 343234 (VCV000343234.13), dbSNP rs140547512, ClinGen allele CA2605884.